The following is an entry in ClinVar:

ClinVar aggregate classification (germline): other (0 of 4 stars; one submission).

Conditions:
Familial colorectal cancer. Identifiers: MedGen CN280943, MONDO:0023113. Disease mechanism: loss of function.

Submission:

Systems Biology Platform Zhejiang California International NanoSystems Institute
Classification: other for Familial colorectal cancer. Review status: no assertion criteria provided. Collection method: not provided. Allele origin: unknown.
ClinVar note: Converted during submission from cancer to other.

NM_000038.6(APC):c.532-2307G>A

Gene: APC (APC regulator of WNT signaling pathway; plus strand). Cytogenetic location: 5q22.2.
Variant type: single nucleotide variant.
Coding change: c.532-2307G>A on transcript NM_000038.6 (MANE Select); 2307 bases into the intron before coding-DNA position 532, G replaced by A.
Molecular consequence: intron variant.
Genome position (GRCh38, 1-based): chr5:112,778,483, G>A. VCF-style: chr5-112778483-G-A. GRCh37 (hg19) VCF-style: chr5-112114180-G-A.
Other names: c.532-2307G>A (NM_001354895.2, NM_001127510.3, NM_001354896.2 and 2 more transcripts); c.562-2307G>A (NM_001354897.2, NM_001354902.2, NM_001127511.3); c.457-2307G>A (NM_001354898.2, NM_001354904.2); c.-504-2307G>A (NM_001354906.2); c.355-2307G>A (NM_001354900.2, NM_001354901.2, NM_001354905.2).
Identifiers: ClinVar variation 82929 (VCV000082929.2), dbSNP rs78706182, ClinGen allele CA010276.